The following is an entry in ClinVar:

NM_000400.4(ERCC2):c.448A>C (p.Thr150Pro)

Gene: ERCC2 (ERCC excision repair 2, TFIIH core complex helicase subunit; minus strand). Cytogenetic location: 19q13.32.
Variant type: single nucleotide variant.
Coding change: c.448A>C on transcript NM_000400.4 (MANE Select); coding-DNA position 448, A replaced by C.
Protein change: p.Thr150Pro; replaces threonine 150 with proline.
Molecular consequence: missense variant.
Genome position (GRCh38, 1-based): chr19:45,365,071, T>G on the plus strand (A>C on the coding strand, the complement: ERCC2 is on the minus strand). VCF-style: chr19-45365071-T-G. GRCh37 (hg19) VCF-style: chr19-45868329-T-G.
Other names: c.376A>C, p.Thr126Pro (NM_001130867.2); short protein forms T126P, T150P.
Identifiers: ClinVar variation 1011625 (VCV001011625.7), dbSNP rs1019582506, ClinGen allele CA308970060.

ClinVar aggregate classification (germline): Uncertain significance (1 of 4 stars; one submission).

Submission:

Labcorp Genetics (formerly Invitae), Labcorp
Classification: Uncertain significance. Last evaluated: 2020-10-28. Review status: criteria provided, single submitter. Criteria: Invitae Variant Classification Sherloc (09022015). Collection method: clinical testing. Allele origin: germline.
Comment: This variant is not present in population databases (ExAC no frequency). In summary, the available evidence is currently insufficient to determine the role of this variant in disease. Therefore, it has been classified as a Variant of Uncertain Significance. Algorithms developed to predict the effect of missense changes on protein structure and function output the following: SIFT: "Tolerated"; PolyPhen-2: "Benign"; Align-GVGD: "Class C0". The proline amino acid residue is found in multiple mammalian species, suggesting that this missense change does not adversely affect protein function. These predictions have not been confirmed by published functional studies and their clinical significance is uncertain. This variant has not been reported in the literature in individuals with ERCC2-related conditions. This sequence change replaces threonine with proline at codon 150 of the ERCC2 protein (p.Thr150Pro). The threonine residue is weakly conserved and there is a small physicochemical difference between threonine and proline.